The following is an entry in ClinVar:

ClinVar aggregate classification (germline): Conflicting classifications of pathogenicity. Review status: criteria provided, conflicting classifications (1 of 4 stars). 10 submissions from 9 submitters: Uncertain significance (8); Likely benign (1). 1 of the submissions does not count toward it. Last evaluated 2025-07-03.

Conditions:
Fanconi anemia (FA). Also called: Fanconi's anemia. Identifiers: Orphanet 84, MedGen C0015625, MeSH D005199, MONDO:0019391.
Fanconi anemia complementation group A (FANCA). Also called: Fanconi anemia, group A; FANCA-Related Fanconi Anemia. Identifiers: Orphanet 84, MedGen C3469521, MONDO:0009215, OMIM 227650.

Submissions (10):

Dasa
Classification: Uncertain significance. Last evaluated: 2025-07-03. Review status: criteria provided, single submitter. Criteria: DASA Assertion Criteria. Collection method: clinical testing. Allele origin: germline.
Comment: NM_000135.4(FANCA):c.754_755delGAinsAG (p.Asp252Ser) is an in-frame insertion/deletion-insertion predicted to alter the protein sequence without shifting the reading frame. This variant is absent from population databases. The currently available literature and clinical evidence are not sufficient to establish a definitive association between this variant and the reported condition. Therefore, this variant is classified as a variant of uncertain significance.

Quest Diagnostics Nichols Institute San Juan Capistrano
Classification: Likely benign. Last evaluated: 2025-04-02. Review status: criteria provided, single submitter. Criteria: Quest Diagnostics criteria. Collection method: clinical testing. Allele origin: unknown.

St. Jude Molecular Pathology, St. Jude Children's Research Hospital
Classification: Uncertain significance for Fanconi anemia complementation group A. Last evaluated: 2023-08-30. Review status: criteria provided, single submitter. Criteria: St. Jude Assertion Criteria 2020. Collection method: clinical testing. Allele origin: germline.
Comment: The FANCA c.754_755delinsAG (p.Asp252Ser) change is absent in gnomAD v2.1.1. In silico tools predict a benign effect of this variant on protein function, but these predictions have not been confirmed by functional studies. This variant has not been reported in individuals with Fanconi anemia. In summary, the evidence currently available is insufficient to determine the clinical significance of this variant. It has therefore been classified as of uncertain significance.

Mayo Clinic Laboratories, Mayo Clinic
Classification: Uncertain significance. Last evaluated: 2022-12-01. Review status: criteria provided, single submitter. Criteria: ACMG Guidelines, 2015. Collection method: clinical testing. Allele origin: germline. Observed: 2 variant alleles.
Comment: PM2

Labcorp Genetics (formerly Invitae), Labcorp
Classification: Uncertain significance for Fanconi anemia. Last evaluated: 2022-10-08. Review status: criteria provided, single submitter. Criteria: Invitae Variant Classification Sherloc (09022015). Collection method: clinical testing. Allele origin: germline.
Comment: This sequence change replaces aspartic acid, which is acidic and polar, with serine, which is neutral and polar, at codon 252 of the FANCA protein (p.Asp252Ser). This variant is present in population databases (rs587778324, gnomAD 4%), and has an allele count higher than expected for a pathogenic variant. This variant has not been reported in the literature in individuals affected with FANCA-related conditions. ClinVar contains an entry for this variant (Variation ID: 134291). Algorithms developed to predict the effect of missense changes on protein structure and function are either unavailable or do not agree on the potential impact of this missense change (SIFT: "Not Available"; PolyPhen-2: "Possibly Damaging"; Align-GVGD: "Not Available"). In summary, the available evidence is currently insufficient to determine the role of this variant in disease. Therefore, it has been classified as a Variant of Uncertain Significance.

GeneDx
Classification: Uncertain significance. Last evaluated: 2022-09-08. Review status: criteria provided, single submitter. Criteria: GeneDx Variant Classification Process June 2021. Collection method: clinical testing. Allele origin: germline.
Comment: Not observed at significant frequency in large population cohorts (gnomAD); In silico analysis supports that this variant does not alter protein structure/function; Has not been previously published as pathogenic or benign to our knowledge

St. Jude Molecular Pathology, St. Jude Children's Research Hospital
Classification: Uncertain significance for Fanconi anemia. Last evaluated: 2021-07-08. Review status: criteria provided, single submitter. Criteria: St. Jude Assertion Criteria 2020. Collection method: clinical testing. Allele origin: germline.
Comment: The FANCA c.754_755delinsAG (p.Asp252Ser) missense change is absent in gnomAD v2.1.1 (PM2_Supporting). In silico tools predict a benign effect of this variant on protein function (BP4), but to our knowledge these predictions have not been confirmed by functional studies. To our knowledge, this variant has not been reported in individuals with Fanconi anemia. In summary, this variant meets criteria to be classified as of uncertain significance based on the ACMG/AMP criteria: PM2_Supporting, BP4.

Blueprint Genetics
Classification: Uncertain significance. Last evaluated: 2021-06-18. Review status: criteria provided, single submitter. Criteria: ACMG Guidelines, 2015. Collection method: clinical testing. Allele origin: germline.

Fulgent Genetics
Classification: Uncertain significance for Fanconi anemia complementation group A. Last evaluated: 2018-10-31. Review status: criteria provided, single submitter. Criteria: ACMG Guidelines, 2015. Collection method: clinical testing. Allele origin: unknown.

ITMI
No classification provided. Condition: AllHighlyPenetrant. Last evaluated: 2013-09-19. Review status: no classification provided. Collection method: reference population. Allele origin: germline. Not counted in ClinVar's aggregate classification.
Comment: Please see associated publication for description of ethnicities

Literature cited by the submitters: PubMed 24728327 (cited by Quest Diagnostics Nichols Institute San Juan Capistrano and ITMI).

NM_000135.4(FANCA):c.754_755delinsAG (p.Asp252Ser)

Gene: FANCA (FA complementation group A; minus strand). Cytogenetic location: 16q24.3.
Variant type: Indel.
Coding change: c.754_755delinsAG on transcript NM_000135.4 (MANE Select); coding-DNA positions 754 to 755, GA replaced by AG.
Protein change: p.Asp252Ser; replaces aspartic acid 252 with serine.
Molecular consequence: missense variant.
Genome position (GRCh38, 1-based): chr16:89,803,296-89,803,297, TC replaced by CT on the plus strand (GA replaced by AG on the coding strand, the reverse complement: FANCA is on the minus strand). VCF-style: chr16-89803296-TC-CT. GRCh37 (hg19) VCF-style: chr16-89869704-TC-CT.
Other names: p.Asp252Ser; c.754_755delinsAG, p.Asp252Ser (NM_001018112.3, NM_001286167.3); c.658_659delinsAG, p.Asp220Ser (NM_001351830.2); c.754_755delinsAG (NM_000135.2, NM_000135.3); c.754_755delGAinsAG (NM_000135.4, LRG_495t1); short protein forms D220S, D252S.
Identifiers: ClinVar variation 134291 (VCV000134291.19), dbSNP rs587778324, ClinGen allele CA159373.